The following is an entry in ClinVar:

ClinVar aggregate classification (germline): Uncertain significance (1 of 4 stars; one submission).

Conditions:
Hereditary cancer-predisposing syndrome. Also called: Hereditary Cancer Syndrome; Hereditary neoplastic syndrome; Tumor predisposition; Neoplastic Syndromes, Hereditary. Identifiers: Orphanet 140162, MedGen C0027672, MeSH D009386, MONDO:0015356.

Submission:

Ambry Genetics
Classification: Uncertain significance for Hereditary cancer-predisposing syndrome. Last evaluated: 2019-08-06. Review status: criteria provided, single submitter. Criteria: Ambry Variant Classification Scheme 2023. Collection method: clinical testing. Allele origin: germline.
Comment: The c.2450_2452delATC variant (also known as p.D817_L818delinsV) is located in coding exon 4 of the MSH6 gene. This variant results from an in-frame ATC deletion at nucleotide positions 2450 to 2452. This results in the deletion of an aspartic acid and leucin residue at codons 817 and 818 and an insertion of a valine residue. This amino acid position is highly conserved in available vertebrate species. In addition, this alteration is predicted to be deleterious by in silico analysis (Choi Y et al. PLoS ONE. 2012; 7(10):e46688). Since supporting evidence is limited at this time, the clinical significance of this alteration remains unclear.

NM_000179.3(MSH6):c.2450_2452del (p.Asp817_Leu818delinsVal)

Gene: MSH6 (mutS homolog 6; plus strand). Cytogenetic location: 2p16.3.
Variant type: Deletion.
Coding change: c.2450_2452del on transcript NM_000179.3 (MANE Select); coding-DNA positions 2450 to 2452, 3 bases deleted (ATC; older notation c.2450_2452delATC).
Protein change: p.Asp817_Leu818delinsVal.
Molecular consequence: inframe indel.
Genome position (GRCh38, 1-based): chr2:47,800,433-47,800,435, ATC deleted. VCF-style (leftmost placement, unchanged base first): chr2-47800432-GATC-G. GRCh37 (hg19) VCF-style: chr2-48027571-GATC-G.
Other names: c.2060_2062del, p.Asp687_Leu688delinsVal (NM_001281492.2); c.1544_1546del, p.Asp515_Leu516delinsVal (NM_001281493.2, NM_001281494.2); c.2546_2548delATC, p.Asp849_Leu850delinsVal (NM_001406795.1, NM_001406802.1); c.2450_2452delATC, p.Asp817_Leu818delinsVal (NM_001406796.1, NM_001406798.1, NM_001406800.1 and 2 more transcripts); c.2153_2155delATC, p.Asp718_Leu719delinsVal (NM_001406797.1, NM_001406801.1, NM_001406805.1 and 10 more transcripts); c.1925_1927delATC, p.Asp642_Leu643delinsVal (NM_001406799.1, NM_001406806.1, NM_001406807.1); c.2372_2374delATC, p.Asp791_Leu792delinsVal (NM_001406804.1); c.1544_1546delATC, p.Asp515_Leu516delinsVal (NM_001406811.1, NM_001406812.1, NM_001406814.1 and 4 more transcripts); and 2 more.
Identifiers: ClinVar variation 1791473 (VCV001791473.2), dbSNP rs2530673125, ClinGen allele CA2580067917.